The following is an entry in ClinVar:

ClinVar aggregate classification (germline): Likely benign. Review status: criteria provided, multiple submitters, no conflicts (2 of 4 stars). 2 submissions from 2 submitters: Likely benign (2). Last evaluated 2025-11-26.

Allele frequency attached by ClinVar (database versions not stated): ExAC 0.00002; gnomAD 0.00003.
gnomAD v4.1: 12 of 1,613,814 alleles (0.00074%); highest among the groups gnomAD compares: Admixed American, 0.0067%; no homozygotes.

Submissions (2):

Labcorp Genetics (formerly Invitae), Labcorp
Classification: Likely benign. Last evaluated: 2025-11-26. Review status: criteria provided, single submitter. Criteria: Invitae Variant Classification Sherloc (09022015). Collection method: clinical testing. Allele origin: germline.

Mayo Clinic Laboratories, Mayo Clinic
Classification: Likely benign. Last evaluated: 2025-05-02. Review status: criteria provided, single submitter. Criteria: ACMG Guidelines, 2015. Collection method: clinical testing. Allele origin: germline. Observed: 1 variant allele.
Comment: BP4, BP7

NM_001080414.4(CCDC88C):c.1815G>A (p.Lys605=)

Gene: CCDC88C (coiled-coil and HOOK domain protein 88C; minus strand). Cytogenetic location: 14q32.11.
Variant type: single nucleotide variant.
Coding change: c.1815G>A on transcript NM_001080414.4 (MANE Select); coding-DNA position 1815, G replaced by A.
Protein change: p.Lys605=; no amino-acid change (lysine 605 retained).
Molecular consequence: synonymous variant.
Genome position (GRCh38, 1-based): chr14:91,314,001, C>T on the plus strand (G>A on the coding strand, the complement: CCDC88C is on the minus strand). VCF-style: chr14-91314001-C-T. GRCh37 (hg19) VCF-style: chr14-91780345-C-T.
Other names: p.Lys605=.
Identifiers: ClinVar variation 3015742 (VCV003015742.4), dbSNP rs747638687, ClinGen allele CA7309801.